The following is an entry in ClinVar:

NM_020686.6(ABAT):c.972G>T (p.Leu324Phe)

Gene: ABAT (4-aminobutyrate aminotransferase; plus strand). Cytogenetic location: 16p13.2.
Variant type: single nucleotide variant.
Coding change: c.972G>T on transcript NM_020686.6 (MANE Select); coding-DNA position 972, G replaced by T.
Protein change: p.Leu324Phe; replaces leucine 324 with phenylalanine.
Molecular consequence: missense variant.
Genome position (GRCh38, 1-based): chr16:8,774,907, G>T. VCF-style: chr16-8774907-G-T. GRCh37 (hg19) VCF-style: chr16-8868764-G-T.
Other names: c.972G>T, p.Leu324Phe (NM_000663.5, NM_001127448.2, NM_001386600.1 and 6 more transcripts); c.933G>T, p.Leu311Phe (NM_001386605.1); c.909G>T, p.Leu303Phe (NM_001386606.1, NM_001386607.1); c.879G>T, p.Leu293Phe (NM_001386608.1); c.837G>T, p.Leu279Phe (NM_001386610.1, NM_001386611.1); c.774G>T, p.Leu258Phe (NM_001386612.1, NM_001386613.1); c.726G>T, p.Leu242Phe (NM_001386614.1); c.1068G>T, p.Leu356Phe (NM_001386615.1); short protein forms L279F, L258F, L293F, L356F, L303F, L242F, L311F, L324F.
Identifiers: ClinVar variation 2118037 (VCV002118037.4), dbSNP rs2549110775, ClinGen allele CA394689775.

ClinVar aggregate classification (germline): Uncertain significance (1 of 4 stars; one submission).

Conditions:
Gamma-aminobutyric acid transaminase deficiency (GABATD). Also called: GABA aminotransaminase deficiency; GABA transaminase deficiency; Gamma aminobutyrate transaminase deficiency; 4 alpha aminobutyrate transaminase deficiency. Identifiers: Orphanet 2066, MedGen C0342708, MONDO:0013166, OMIM 613163.

Submission:

Labcorp Genetics (formerly Invitae), Labcorp
Classification: Uncertain significance for Gamma-aminobutyric acid transaminase deficiency. Last evaluated: 2022-03-27. Review status: criteria provided, single submitter. Criteria: Invitae Variant Classification Sherloc (09022015). Collection method: clinical testing. Allele origin: germline.
Comment: In summary, the available evidence is currently insufficient to determine the role of this variant in disease. Therefore, it has been classified as a Variant of Uncertain Significance. Algorithms developed to predict the effect of missense changes on protein structure and function are either unavailable or do not agree on the potential impact of this missense change (SIFT: "Deleterious"; PolyPhen-2: "Benign"; Align-GVGD: "Class C0"). This variant has not been reported in the literature in individuals affected with ABAT-related conditions. This variant is not present in population databases (gnomAD no frequency). This sequence change replaces leucine, which is neutral and non-polar, with phenylalanine, which is neutral and non-polar, at codon 324 of the ABAT protein (p.Leu324Phe).